The following is an entry in ClinVar:

NM_006445.4(PRPF8):c.440T>C (p.Met147Thr)

Gene: PRPF8 (pre-mRNA processing factor 8; minus strand). Cytogenetic location: 17p13.3.
Variant type: single nucleotide variant.
Coding change: c.440T>C on transcript NM_006445.4 (MANE Select); coding-DNA position 440, T replaced by C.
Protein change: p.Met147Thr; replaces methionine 147 with threonine.
Molecular consequence: missense variant.
Genome position (GRCh38, 1-based): chr17:1,682,033, A>G on the plus strand (T>C on the coding strand, the complement: PRPF8 is on the minus strand). VCF-style: chr17-1682033-A-G. GRCh37 (hg19) VCF-style: chr17-1585327-A-G.
Other names: short protein forms M147T.
Identifiers: ClinVar variation 1441446 (VCV001441446.8), dbSNP rs1193857646, ClinGen allele CA397569504.

ClinVar aggregate classification (germline): Uncertain significance (1 of 4 stars; one submission).

Allele frequency attached by ClinVar (database versions not stated): gnomAD exomes below 0.00001.

Submission:

Labcorp Genetics (formerly Invitae), Labcorp
Classification: Uncertain significance. Last evaluated: 2022-09-06. Review status: criteria provided, single submitter. Criteria: Invitae Variant Classification Sherloc (09022015). Collection method: clinical testing. Allele origin: germline.
Comment: This sequence change replaces methionine, which is neutral and non-polar, with threonine, which is neutral and polar, at codon 147 of the PRPF8 protein (p.Met147Thr). This variant is present in population databases (no rsID available, gnomAD 0.0009%). This variant has not been reported in the literature in individuals affected with PRPF8-related conditions. ClinVar contains an entry for this variant (Variation ID: 1441446). Algorithms developed to predict the effect of missense changes on protein structure and function (SIFT, PolyPhen-2, Align-GVGD) all suggest that this variant is likely to be tolerated. In summary, the available evidence is currently insufficient to determine the role of this variant in disease. Therefore, it has been classified as a Variant of Uncertain Significance.